The following is an entry in ClinVar:

NM_000059.4(BRCA2):c.1850C>T (p.Ser617Leu)

Gene: BRCA2 (BRCA2 DNA repair associated; plus strand). Cytogenetic location: 13q13.1.
Variant type: single nucleotide variant.
Coding change: c.1850C>T on transcript NM_000059.4 (MANE Select); coding-DNA position 1850, C replaced by T.
Protein change: p.Ser617Leu; replaces serine 617 with leucine.
Molecular consequence: missense variant.
Genome position (GRCh38, 1-based): chr13:32,333,328, C>T. VCF-style: chr13-32333328-C-T. GRCh37 (hg19) VCF-style: chr13-32907465-C-T.
Other names: short protein forms S617L.
Identifiers: ClinVar variation 922261 (VCV000922261.6), dbSNP rs397507278, ClinGen allele CA387766377.
Genomic context (GRCh38, chr13:32,333,328, plus strand): 5'-AAACATCTTATAAAGGAAAAAAAATACCGAAAGACCAAAAATCAGAACTAATTAACTGTT[C>T]AGCCCAGTTTGAAGCAAATGCTTTTGAAGCACCACTTACATTTGCAAATGCTGATTCAGG-3'
Protein context (NP_000050.3, residues 607-627): KDQKSELINC[Ser617Leu]AQFEANAFEA

ClinVar aggregate classification (germline): Conflicting classifications of pathogenicity. Review status: criteria provided, conflicting classifications (1 of 4 stars). 3 submissions from 3 submitters: Uncertain significance (2); Likely benign (1). Last evaluated 2025-12-05.

Conditions:
Hereditary cancer-predisposing syndrome. Also called: Neoplastic Syndromes, Hereditary; Tumor predisposition; Hereditary Cancer Syndrome; Hereditary neoplastic syndrome. Identifiers: Orphanet 140162, MedGen C0027672, MeSH D009386, MONDO:0015356.

Allele frequency attached by ClinVar (database versions not stated): gnomAD exomes below 0.00001.
gnomAD v4.1: 2 of 1,608,892 alleles (0.00012%); highest among the groups gnomAD compares: South Asian, 0.0011%; no homozygotes.

Submissions (3):

Ambry Genetics
Classification: Uncertain significance for Hereditary cancer-predisposing syndrome. Last evaluated: 2025-12-05. Review status: criteria provided, single submitter. Criteria: Ambry Variant Classification Scheme 2023. Collection method: clinical testing. Allele origin: germline.
Comment: The p.S617L variant (also known as c.1850C>T), located in coding exon 9 of the BRCA2 gene, results from a C to T substitution at nucleotide position 1850. The serine at codon 617 is replaced by leucine, an amino acid with dissimilar properties. This amino acid position is well conserved in available vertebrate species. In addition, this alteration is predicted to be tolerated by in silico analysis. Based on the available evidence, the clinical significance of this variant remains unclear.

University of Washington Department of Laboratory Medicine, University of Washington
Classification: Likely benign for Hereditary cancer-predisposing syndrome. Last evaluated: 2023-03-23. Review status: criteria provided, single submitter. Criteria: Dines et al. (Genet Med. 2020). Collection method: curation. Allele origin: germline.
Comment: Missense variant in a coldspot region where missense variants are very unlikely to be pathogenic (PMID:31911673).

BRCA2 exon 10 coldspot. Reclassification based on statistical prior probability.

Color Diagnostics, LLC DBA Color Health
Classification: Uncertain significance for Hereditary cancer-predisposing syndrome. Last evaluated: 2019-11-26. Review status: criteria provided, single submitter. Criteria: ACMG Guidelines, 2015. Collection method: clinical testing. Allele origin: germline.
Comment: This missense variant replaces serine with leucine at codon 617 of the BRCA2 protein. Computational prediction suggests that this variant may not impact protein structure and function (internally defined REVEL score threshold <= 0.5, PMID: 27666373). Splice site prediction tools suggest that this variant may not impact RNA splicing. To our knowledge, functional studies have not been performed for this variant. This variant has not been reported in individuals affected with hereditary cancer in the literature. This variant has not been identified in the general population by the Genome Aggregation Database (gnomAD). The available evidence is insufficient to determine the role of this variant in disease conclusively. Therefore, this variant is classified as a Variant of Uncertain Significance.